The following is an entry in ClinVar:

NM_000455.5(STK11):c.255G>A (p.Leu85=)

Gene: STK11 (serine/threonine kinase 11; plus strand). Cytogenetic location: 19p13.3.
Variant type: single nucleotide variant.
Coding change: c.255G>A on transcript NM_000455.5 (MANE Select); coding-DNA position 255, G replaced by A.
Protein change: p.Leu85=; no amino-acid change (leucine 85 retained).
Molecular consequence: synonymous variant.
Genome position (GRCh38, 1-based): chr19:1,207,168, G>A. VCF-style: chr19-1207168-G-A. GRCh37 (hg19) VCF-style: chr19-1207167-G-A.
Identifiers: ClinVar variation 763238 (VCV000763238.10), dbSNP rs1599915264, ClinGen allele CA504706325.

ClinVar aggregate classification (germline): Benign/Likely benign. Review status: criteria provided, multiple submitters, no conflicts (2 of 4 stars). 2 submissions from 2 submitters: Benign (1); Likely benign (1). Last evaluated 2025-03-25.

Conditions:
Peutz-Jeghers syndrome (PJS). Also called: POLYPOSIS, HAMARTOMATOUS INTESTINAL; POLYPS-AND-SPOTS SYNDROME; Peutz-Jeghers polyposis; Periorificial lentiginosis syndrome. Identifiers: Orphanet 2869, MedGen C0031269, MeSH D010580, MONDO:0008280, OMIM 175200.

Submissions (2):

Myriad Genetics, Inc.
Classification: Benign for Peutz-Jeghers syndrome. Last evaluated: 2025-03-25. Review status: criteria provided, single submitter. Criteria: Myriad Autosomal Dominant, Autosomal Recessive and X-Linked Classification Criteria (2023). Collection method: clinical testing. Allele origin: unknown.
Comment: This variant is considered benign. This variant is a silent/synonymous amino acid change and it is not expected to impact splicing.

Labcorp Genetics (formerly Invitae), Labcorp
Classification: Likely benign for Peutz-Jeghers syndrome. Last evaluated: 2023-03-26. Review status: criteria provided, single submitter. Criteria: Invitae Variant Classification Sherloc (09022015). Collection method: clinical testing. Allele origin: germline.